The following is an entry in ClinVar:

NM_002224.4(ITPR3):c.2538C>T (p.Ser846=)

Gene: ITPR3 (inositol 1,4,5-trisphosphate receptor type 3; plus strand). Cytogenetic location: 6p21.31.
Variant type: single nucleotide variant.
Coding change: c.2538C>T on transcript NM_002224.4 (MANE Select); coding-DNA position 2538, C replaced by T.
Protein change: p.Ser846=; no amino-acid change (serine 846 retained).
Molecular consequence: synonymous variant.
Genome position (GRCh38, 1-based): chr6:33,670,767, C>T. VCF-style: chr6-33670767-C-T. GRCh37 (hg19) VCF-style: chr6-33638544-C-T.
Identifiers: ClinVar variation 4821280 (VCV004821280.4).

ClinVar aggregate classification (germline): Likely benign (1 of 4 stars; one submission).

gnomAD v4.1: 105 of 1,614,048 alleles (0.0065%); highest among the groups gnomAD compares: African/African-American, 0.011%; 1 homozygote.

Submission:

CeGaT Center for Human Genetics Tuebingen
Classification: Likely benign. Last evaluated: 2026-02-01. Review status: criteria provided, single submitter. Criteria: CeGaT Center For Human Genetics Tuebingen Variant Classification Criteria Version 2. Collection method: clinical testing. Allele origin: germline. Affected: yes. Observed: 1 variant allele.
Comment: ITPR3: BP4, BP7